The following is an entry in ClinVar:

NM_001289104.2(PRKCSH):c.914C>T (p.Pro305Leu)

Gene: PRKCSH (PRKCSH beta subunit of glucosidase II; plus strand). Cytogenetic location: 19p13.2.
Variant type: single nucleotide variant.
Coding change: c.914C>T on transcript NM_001289104.2 (MANE Select); coding-DNA position 914, C replaced by T.
Protein change: p.Pro305Leu; replaces proline 305 with leucine.
Molecular consequence: missense variant.
Genome position (GRCh38, 1-based): chr19:11,447,503, C>T. VCF-style: chr19-11447503-C-T. GRCh37 (hg19) VCF-style: chr19-11558318-C-T.
Other names: c.914C>T, p.Pro305Leu (NM_001001329.3, NM_001289102.2, NM_001289103.2 and 3 more transcripts); short protein forms P305L.
Identifiers: ClinVar variation 328186 (VCV000328186.10), dbSNP rs201385707, ClinGen allele CA9213063.

ClinVar aggregate classification (germline): Conflicting classifications of pathogenicity. Review status: criteria provided, conflicting classifications (1 of 4 stars). 4 submissions from 4 submitters: Uncertain significance (3); Likely benign (1). Last evaluated 2024-11-10.

Conditions:
Inborn genetic diseases. Identifiers: MedGen C0950123, MeSH D030342.
Polycystic liver disease 1 (PCLD1). Also called: Polycystic liver disease 1 with or without kidney cysts. Identifiers: Orphanet 2924, MedGen C0887850, MONDO:0008265, OMIM 174050.

Allele frequency attached by ClinVar (database versions not stated): gnomAD 0.00004 and 0.00005; TOPMed 0.00005.
gnomAD v4.1: 133 of 1,613,218 alleles (0.0082%); highest among the groups gnomAD compares: Middle Eastern, 0.016%; no homozygotes.

Submissions (4):

Ambry Genetics
Classification: Likely benign for Inborn genetic diseases. Last evaluated: 2024-11-10. Review status: criteria provided, single submitter. Criteria: Ambry Variant Classification Scheme 2023. Collection method: clinical testing. Allele origin: germline.

Labcorp Genetics (formerly Invitae), Labcorp
Classification: Uncertain significance. Last evaluated: 2024-07-21. Review status: criteria provided, single submitter. Criteria: Invitae Variant Classification Sherloc (09022015). Collection method: clinical testing. Allele origin: germline.
Comment: This sequence change replaces proline, which is neutral and non-polar, with leucine, which is neutral and non-polar, at codon 305 of the PRKCSH protein (p.Pro305Leu). This variant is present in population databases (rs201385707, gnomAD 0.009%). This variant has not been reported in the literature in individuals affected with PRKCSH-related conditions. ClinVar contains an entry for this variant (Variation ID: 328186). An algorithm developed to predict the effect of missense changes on protein structure and function outputs the following: PolyPhen-2: "Benign". The leucine amino acid residue is found in multiple mammalian species, which suggests that this missense change does not adversely affect protein function. In summary, the available evidence is currently insufficient to determine the role of this variant in disease. Therefore, it has been classified as a Variant of Uncertain Significance.

Fulgent Genetics
Classification: Uncertain significance for Polycystic liver disease 1. Last evaluated: 2021-07-05. Review status: criteria provided, single submitter. Criteria: ACMG Guidelines, 2015. Collection method: clinical testing. Allele origin: unknown.

Illumina Laboratory Services, Illumina
Classification: Uncertain significance for Polycystic liver disease 1. Last evaluated: 2018-01-12. Review status: criteria provided, single submitter. Criteria: ICSL Variant Classification Criteria 13 December 2019. Collection method: clinical testing. Allele origin: germline.